The following is an entry in ClinVar:

NM_022124.6(CDH23):c.2804G>A (p.Arg935His)

Gene: CDH23 (cadherin related 23; plus strand). Cytogenetic location: 10q22.1.
Variant type: single nucleotide variant.
Coding change: c.2804G>A on transcript NM_022124.6 (MANE Select); coding-DNA position 2804, G replaced by A.
Protein change: p.Arg935His; replaces arginine 935 with histidine.
Molecular consequence: missense variant.
Genome position (GRCh38, 1-based): chr10:71,704,981, G>A. VCF-style: chr10-71704981-G-A. GRCh37 (hg19) VCF-style: chr10-73464738-G-A.
Other names: c.2804G>A, p.Arg935His (NM_001171930.2, NM_001171931.2); short protein forms R935H.
Identifiers: ClinVar variation 849045 (VCV000849045.7), dbSNP rs748194042, ClinGen allele CA5544346.
Genomic context (GRCh38, chr10:71,704,981, plus strand): 5'-TCGACCTCGATGAGGGCCTGAACGGCCTGGTGTCCTACCGCATGCCGGTGGGCATGCCCC[G>A]CATGGACTTCCTCATCAACAGCAGCAGCGGCGTGGTGGTCACCACCACCGAGCTGGACCG-3'
Protein context (NP_071407.4, residues 925-945): VSYRMPVGMP[Arg935His]MDFLINSSSG

ClinVar aggregate classification (germline): Uncertain significance. Review status: criteria provided, multiple submitters, no conflicts (2 of 4 stars). 5 submissions from 5 submitters: Uncertain significance (4). 1 of the submissions does not count toward it. Last evaluated 2025-06-02.

Conditions:
CDH23-related disorder. Also called: CDH23-related condition; CDH23-related disorders.
Pituitary adenoma 5, multiple types. Identifiers: MedGen C4539685, MONDO:0054601, OMIM 617540.
Autosomal recessive nonsyndromic hearing loss 12. Also called: DEAFNESS, AUTOSOMAL RECESSIVE 12. Identifiers: Orphanet 90636, MedGen C1832394, MONDO:0011067, OMIM 601386.
Usher syndrome type 1D (USH1D). Also called: USHER SYNDROME, TYPE ID. Identifiers: Orphanet 231169, Orphanet 886, MedGen C1832845, MONDO:0010984, OMIM 601067.
Usher syndrome type 1 (USH1). Also called: RETINITIS PIGMENTOSA AND CONGENITAL DEAFNESS. Identifiers: Orphanet 231169, Orphanet 886, MedGen C1568247, MONDO:0010168, OMIM 276900.

Allele frequency attached by ClinVar (database versions not stated): TOPMed 0.00002; gnomAD 0.00004 and 0.00005.
gnomAD v4.1: 75 of 1,612,702 alleles (0.0047%); highest among the groups gnomAD compares: South Asian, 0.013%; no homozygotes.

Submissions (5):

PreventionGenetics, part of Exact Sciences
Classification: Uncertain significance for CDH23-related condition. Last evaluated: 2025-06-02. Review status: criteria provided, single submitter. Criteria: ACMG Guidelines, 2015. Collection method: clinical testing. Allele origin: germline.
Comment: The CDH23 c.2804G>A variant is predicted to result in the amino acid substitution p.Arg935His. To our knowledge, this variant has not been reported in the literature. This variant is reported in 0.013% of alleles in individuals of South Asian descent in gnomAD. At this time, the clinical significance of this variant is uncertain due to the absence of conclusive functional and genetic evidence.

Blueprint Genetics
Classification: Uncertain significance. Last evaluated: 2024-08-28. Review status: criteria provided, single submitter. Criteria: ACMG Guidelines, 2015. Collection method: clinical testing. Allele origin: germline.

Labcorp Genetics (formerly Invitae), Labcorp
Classification: Uncertain significance. Last evaluated: 2022-07-06. Review status: criteria provided, single submitter. Criteria: Invitae Variant Classification Sherloc (09022015). Collection method: clinical testing. Allele origin: germline.
Comment: This sequence change replaces arginine, which is basic and polar, with histidine, which is basic and polar, at codon 935 of the CDH23 protein (p.Arg935His). This variant is present in population databases (rs748194042, gnomAD 0.01%). This variant has not been reported in the literature in individuals affected with CDH23-related conditions. ClinVar contains an entry for this variant (Variation ID: 849045). Algorithms developed to predict the effect of missense changes on protein structure and function are either unavailable or do not agree on the potential impact of this missense change (SIFT: "Deleterious"; PolyPhen-2: "Not Available"; Align-GVGD: "Class C25"). In summary, the available evidence is currently insufficient to determine the role of this variant in disease. Therefore, it has been classified as a Variant of Uncertain Significance.

Fulgent Genetics
Classification: Uncertain significance for Usher syndrome type 1D; Autosomal recessive nonsyndromic hearing loss 12; Pituitary adenoma 5, multiple types. Last evaluated: 2022-03-18. Review status: criteria provided, single submitter. Criteria: ACMG Guidelines, 2015. Collection method: clinical testing. Allele origin: unknown.

Natera, Inc.
Classification: Uncertain significance for Usher syndrome type 1. Last evaluated: 2020-02-05. Review status: no assertion criteria provided. Collection method: clinical testing. Allele origin: germline. Not counted in ClinVar's aggregate classification.